The following is an entry in ClinVar:

NM_001243133.2(NLRP3):c.1615G>C (p.Glu539Gln)

Gene: NLRP3 (NLR family pyrin domain containing 3; plus strand). Cytogenetic location: 1q44.
Variant type: single nucleotide variant.
Coding change: c.1615G>C on transcript NM_001243133.2 (MANE Select); coding-DNA position 1615, G replaced by C.
Protein change: p.Glu539Gln; replaces glutamic acid 539 with glutamine.
Molecular consequence: missense variant.
Genome position (GRCh38, 1-based): chr1:247,425,064, G>C. VCF-style: chr1-247425064-G-C. GRCh37 (hg19) VCF-style: chr1-247588366-G-C.
Other names: c.1615G>C, p.Glu539Gln (NM_001079821.3, NM_001127461.3, NM_001127462.3 and 1 more transcripts); c.1621G>C, p.Glu541Gln (NM_004895.5); short protein forms E539Q, E541Q.
Identifiers: ClinVar variation 2970178 (VCV002970178.3), dbSNP rs2527272772, ClinGen allele CA345557452.

ClinVar aggregate classification (germline): Uncertain significance (1 of 4 stars; one submission).

Conditions:
Cryopyrin associated periodic syndrome (CAPS). Identifiers: Orphanet 208650, MedGen C2316212, MONDO:0016168.

Submission:

Labcorp Genetics (formerly Invitae), Labcorp
Classification: Uncertain significance for Cryopyrin associated periodic syndrome. Last evaluated: 2023-12-01. Review status: criteria provided, single submitter. Criteria: Invitae Variant Classification Sherloc (09022015). Collection method: clinical testing. Allele origin: germline.
Comment: This sequence change replaces glutamic acid, which is acidic and polar, with glutamine, which is neutral and polar, at codon 541 of the NLRP3 protein (p.Glu541Gln). This variant is not present in population databases (gnomAD no frequency). This variant has not been reported in the literature in individuals affected with NLRP3-related conditions. Algorithms developed to predict the effect of missense changes on protein structure and function output the following: SIFT: "Not Available"; PolyPhen-2: "Benign"; Align-GVGD: "Not Available". The glutamine amino acid residue is found in multiple mammalian species, which suggests that this missense change does not adversely affect protein function. In summary, the available evidence is currently insufficient to determine the role of this variant in disease. Therefore, it has been classified as a Variant of Uncertain Significance.